The following is an entry in ClinVar:

NM_015213.4(DENND5A):c.252C>T (p.Asn84=)

Gene: DENND5A (DENN domain containing 5A; minus strand). Cytogenetic location: 11p15.4.
Variant type: single nucleotide variant.
Coding change: c.252C>T on transcript NM_015213.4 (MANE Select); coding-DNA position 252, C replaced by T.
Protein change: p.Asn84=; no amino-acid change (asparagine 84 retained).
Molecular consequence: synonymous variant. On other transcripts: 5 prime UTR variant (1), non-coding transcript variant (1).
Genome position (GRCh38, 1-based): chr11:9,206,712, G>A on the plus strand (C>T on the coding strand, the complement: DENND5A is on the minus strand). VCF-style: chr11-9206712-G-A. GRCh37 (hg19) VCF-style: chr11-9228259-G-A.
Other names: c.252C>T, p.Asn84= (NM_001243254.2, NM_001348748.1); c.180C>T, p.Asn60= (NM_001348749.2); c.-37C>T (NM_001348750.2); c.252C>T (NM_015213.3).
Identifiers: ClinVar variation 2203286 (VCV002203286.6), dbSNP rs201015332, ClinGen allele CA5877863.

ClinVar aggregate classification (germline): Likely benign. Review status: criteria provided, multiple submitters, no conflicts (2 of 4 stars). 3 submissions from 3 submitters: Likely benign (2). 1 of the submissions does not count toward it. Last evaluated 2025-12-30.

Conditions:
DENND5A-related disorder. Also called: DENND5A-related condition.

Allele frequency attached by ClinVar (database versions not stated): gnomAD 0.00007; 1000 Genomes Project 30x 0.00016; 1000 Genomes Project 0.00020.
gnomAD v4.1: 54 of 1,613,726 alleles (0.0033%); highest among the groups gnomAD compares: Admixed American, 0.01%; no homozygotes.

Submissions (3):

Labcorp Genetics (formerly Invitae), Labcorp
Classification: Likely benign. Last evaluated: 2025-12-30. Review status: criteria provided, single submitter. Criteria: Invitae Variant Classification Sherloc (09022015). Collection method: clinical testing. Allele origin: germline.

Blueprint Genetics
Classification: Likely benign. Last evaluated: 2022-09-09. Review status: criteria provided, single submitter. Criteria: ACMG Guidelines, 2015. Collection method: clinical testing. Allele origin: germline.

PreventionGenetics, part of Exact Sciences
Classification: Likely benign for DENND5A-related condition. Last evaluated: 2024-03-15. Review status: no assertion criteria provided. Collection method: clinical testing. Allele origin: germline. Not counted in ClinVar's aggregate classification.
Comment: This variant is classified as likely benign based on ACMG/AMP sequence variant interpretation guidelines (Richards et al. 2015 PMID: 25741868, with internal and published modifications).